The following is an entry in ClinVar:

ClinVar aggregate classification (germline): Uncertain significance (1 of 4 stars; one submission).

Conditions:
Mitochondrial complex II deficiency, nuclear type 1. Also called: SUCCINATE CoQ REDUCTASE DEFICIENCY. Identifiers: Orphanet 3208, MedGen C5700310, MONDO:0100294, OMIM 252011.
Pheochromocytoma/paraganglioma syndrome 5. Also called: Paragangliomas 5; SDHA-Related Hereditary Paraganglioma-Pheochromocytoma Syndrome. Identifiers: Orphanet 29072, MedGen C3279992, MONDO:0013602, OMIM 614165.

Submission:

Labcorp Genetics (formerly Invitae), Labcorp
Classification: Uncertain significance for Pheochromocytoma/paraganglioma syndrome 5; Mitochondrial complex II deficiency, nuclear type 1. Last evaluated: 2019-06-24. Review status: criteria provided, single submitter. Criteria: Invitae Variant Classification Sherloc (09022015). Collection method: clinical testing. Allele origin: germline.
Comment: In summary, the available evidence is currently insufficient to determine the role of this variant in disease. Therefore, it has been classified as a Variant of Uncertain Significance. Algorithms developed to predict the effect of sequence changes on RNA splicing suggest that this variant may create or strengthen a splice site, but this prediction has not been confirmed by published transcriptional studies. Algorithms developed to predict the effect of missense changes on protein structure and function (SIFT, PolyPhen-2, Align-GVGD) all suggest that this variant is likely to be disruptive, but these predictions have not been confirmed by published functional studies and their clinical significance is uncertain. This variant has not been reported in the literature in individuals with SDHA-related conditions. This variant is not present in population databases (ExAC no frequency). This sequence change replaces glycine with arginine at codon 439 of the SDHA protein (p.Gly439Arg). The glycine residue is highly conserved and there is a moderate physicochemical difference between glycine and arginine.

NM_004168.4(SDHA):c.1315G>A (p.Gly439Arg)

Gene: SDHA (succinate dehydrogenase complex flavoprotein subunit A; plus strand). Cytogenetic location: 5p15.33.
Variant type: single nucleotide variant.
Coding change: c.1315G>A on transcript NM_004168.4 (MANE Select); coding-DNA position 1315, G replaced by A.
Protein change: p.Gly439Arg; replaces glycine 439 with arginine.
Molecular consequence: missense variant.
Genome position (GRCh38, 1-based): chr5:236,482, G>A. VCF-style: chr5-236482-G-A. GRCh37 (hg19) VCF-style: chr5-236597-G-A.
Other names: c.1171G>A, p.Gly391Arg (NM_001294332.2); c.1315G>A, p.Gly439Arg (NM_001330758.2); short protein forms G391R, G439R.
Identifiers: ClinVar variation 933488 (VCV000933488.10), dbSNP rs1579409601, ClinGen allele CA359013910.
Genomic context (GRCh38, chr5:236,482, plus strand): 5'-CCACAGGTCCTGAGGCACGTGAATGGCCAGGATCAGATTGTGCCCGGCCTGTACGCCTGT[G>A]GGGAGGCCGCCTGTGCCTCGGTACATGGTGCCAACCGCCTCGGGGCAAACTCGCTCTTGG-3'
Protein context (NP_004159.2, residues 429-449): DQIVPGLYAC[Gly439Arg]EAACASVHGA